The following is an entry in ClinVar:

ClinVar aggregate classification (germline): Uncertain significance (1 of 4 stars; one submission).

Conditions:
Fanconi anemia (FA). Also called: Fanconi's anemia. Identifiers: Orphanet 84, MedGen C0015625, MeSH D005199, MONDO:0019391.

Submission:

Labcorp Genetics (formerly Invitae), Labcorp
Classification: Uncertain significance for Fanconi anemia. Last evaluated: 2025-09-17. Review status: criteria provided, single submitter. Criteria: Invitae Variant Classification Sherloc (09022015). Collection method: clinical testing. Allele origin: germline.
Comment: This sequence change affects codon 664 of the FANCD2 mRNA. It is a 'silent' change, meaning that it does not change the encoded amino acid sequence of the FANCD2 protein. This variant is not present in population databases (gnomAD no frequency). This variant has not been reported in the literature in individuals affected with FANCD2-related conditions. Algorithms developed to predict the effect of sequence changes on RNA splicing suggest that this variant may disrupt the consensus splice site. In summary, the available evidence is currently insufficient to determine the role of this variant in disease. Therefore, it has been classified as a Variant of Uncertain Significance.

NM_001018115.3(FANCD2):c.1992C>T (p.Phe664=)

Genes: FANCD2 (FA complementation group D2; plus strand), LOC107303338 (3p25 FANCD2 Alu-mediated recombination region; plus strand). Cytogenetic location: 3p25.3.
Variant type: single nucleotide variant.
Coding change: c.1992C>T on transcript NM_001018115.3 (MANE Select); coding-DNA position 1992, C replaced by T.
Protein change: p.Phe664=; no amino-acid change (phenylalanine 664 retained).
Molecular consequence: synonymous variant.
Genome position (GRCh38, 1-based): chr3:10,064,400, C>T. VCF-style: chr3-10064400-C-T. GRCh37 (hg19) VCF-style: chr3-10106084-C-T.
Other names: c.1992C>T, p.Phe664= (NM_001319984.2, NM_001374254.1, NM_033084.6); c.1881C>T, p.Phe627= (NM_001374253.1).
Identifiers: ClinVar variation 4739651 (VCV004739651.1).